The following is an entry in ClinVar:

NM_001430.5(EPAS1):c.2205G>T (p.Leu735Phe)

Gene: EPAS1 (endothelial PAS domain protein 1; plus strand). Cytogenetic location: 2p21.
Variant type: single nucleotide variant.
Coding change: c.2205G>T on transcript NM_001430.5 (MANE Select); coding-DNA position 2205, G replaced by T.
Protein change: p.Leu735Phe; replaces leucine 735 with phenylalanine.
Molecular consequence: missense variant.
Genome position (GRCh38, 1-based): chr2:46,382,007, G>T. VCF-style: chr2-46382007-G-T. GRCh37 (hg19) VCF-style: chr2-46609146-G-T.
Other names: short protein forms L735F.
Identifiers: ClinVar variation 3275641 (VCV003275641.1).
Genomic context (GRCh38, chr2:46,382,007, plus strand): 5'-CCTTTCCATCTGCCCTTCTTACTCCCAGGGGGACCCACCTGGTGGCAGCACCTCACATTT[G>T]ATGTGGAAACGGATGAAGAACCTCAGGGGTGGGAGCTGCCCTTTGATGCCGGACAAGCCA-3'
Protein context (NP_001421.2, residues 725-745): GDPPGGSTSH[Leu735Phe]MWKRMKNLRG

ClinVar aggregate classification (germline): Uncertain significance (1 of 4 stars; one submission).

Conditions:
Inborn genetic diseases. Identifiers: MedGen C0950123, MeSH D030342.

Submission:

Ambry Genetics
Classification: Uncertain significance for Inborn genetic diseases. Last evaluated: 2024-04-11. Review status: criteria provided, single submitter. Criteria: Ambry Variant Classification Scheme 2023. Collection method: clinical testing. Allele origin: germline.
Comment: The p.L735F variant (also known as c.2205G>T), located in coding exon 14 of the EPAS1 gene, results from a G to T substitution at nucleotide position 2205. The leucine at codon 735 is replaced by phenylalanine, an amino acid with highly similar properties. This amino acid position is conserved. In addition, this alteration is predicted to be tolerated by in silico analysis. Based on the available evidence, the clinical significance of this variant remains unclear.